The following is an entry in ClinVar:

ClinVar aggregate classification (germline): Benign (0 of 4 stars; one submission).

Conditions:
POLQ-related disorder. Also called: POLQ-related condition.

Allele frequency attached by ClinVar (database versions not stated): 1000 Genomes Project 0.01338; 1000 Genomes Project 30x 0.01390; gnomAD 0.01420; TOPMed 0.01528; ESP Exome Variant Server 0.01668.

Submission:

PreventionGenetics, part of Exact Sciences
Classification: Benign for POLQ-related condition. Last evaluated: 2019-07-30. Review status: no assertion criteria provided. Collection method: clinical testing. Allele origin: germline.
Comment: This variant is classified as benign based on ACMG/AMP sequence variant interpretation guidelines (Richards et al. 2015 PMID: 25741868, with internal and published modifications).

NM_199420.4(POLQ):c.5858G>A (p.Arg1953Gln)

Gene: POLQ (DNA polymerase theta; minus strand). Cytogenetic location: 3q13.33.
Variant type: single nucleotide variant.
Coding change: c.5858G>A on transcript NM_199420.4 (MANE Select); coding-DNA position 5858, G replaced by A.
Protein change: p.Arg1953Gln; replaces arginine 1953 with glutamine.
Molecular consequence: missense variant.
Genome position (GRCh38, 1-based): chr3:121,483,498, C>T on the plus strand (G>A on the coding strand, the complement: POLQ is on the minus strand). VCF-style: chr3-121483498-C-T. GRCh37 (hg19) VCF-style: chr3-121202345-C-T.
Other names: short protein forms R1953Q.
Identifiers: ClinVar variation 3037729 (VCV003037729.2), dbSNP rs3218637, ClinGen allele CA2562617.